The following is an entry in ClinVar:

NM_001048174.2(MUTYH):c.749T>C (p.Phe250Ser)

Gene: MUTYH (mutY DNA glycosylase; minus strand). Cytogenetic location: 1p34.1.
Variant type: single nucleotide variant.
Coding change: c.749T>C on transcript NM_001048174.2 (MANE Select); coding-DNA position 749, T replaced by C.
Protein change: p.Phe250Ser; replaces phenylalanine 250 with serine.
Molecular consequence: missense variant. On other transcripts: non-coding transcript variant (7).
Genome position (GRCh38, 1-based): chr1:45,332,266, A>G on the plus strand (T>C on the coding strand, the complement: MUTYH is on the minus strand). VCF-style: chr1-45332266-A-G. GRCh37 (hg19) VCF-style: chr1-45797938-A-G.
Other names: c.749T>C, p.Phe250Ser (NM_001048171.2, NM_001048173.2, NM_001293195.2 and 6 more transcripts); c.752T>C, p.Phe251Ser (NM_001048172.2, NM_001407071.1, NM_001407078.1 and 1 more transcripts); c.833T>C, p.Phe278Ser (NM_001128425.2); c.794T>C, p.Phe265Ser (NM_001293190.2); c.782T>C, p.Phe261Ser (NM_001293191.2, NM_001407069.1, NM_001407077.1); c.473T>C, p.Phe158Ser (NM_001293192.2, NM_001293196.2, NM_001407091.1); c.404T>C, p.Phe135Ser (NM_001350650.2, NM_001350651.2, NM_001407082.1); c.665T>C, p.Phe222Ser (NM_001407075.1); and 5 more; short protein forms F135S, F158S, F257S, F275S, F251S, F264S, F265S, F236S.
Identifiers: ClinVar variation 2567652 (VCV002567652.2), dbSNP rs2524086212, ClinGen allele CA340134642.

ClinVar aggregate classification (germline): Uncertain significance (1 of 4 stars; one submission).

Conditions:
Hereditary cancer-predisposing syndrome. Also called: Hereditary neoplastic syndrome; Hereditary Cancer Syndrome; Neoplastic Syndromes, Hereditary; Tumor predisposition. Identifiers: Orphanet 140162, MedGen C0027672, MeSH D009386, MONDO:0015356.

Submission:

Ambry Genetics
Classification: Uncertain significance for Hereditary cancer-predisposing syndrome. Last evaluated: 2023-05-24. Review status: criteria provided, single submitter. Criteria: Ambry Variant Classification Scheme 2023. Collection method: clinical testing. Allele origin: germline.
Comment: The p.F278S variant (also known as c.833T>C), located in coding exon 10 of the MUTYH gene, results from a T to C substitution at nucleotide position 833. The phenylalanine at codon 278 is replaced by serine, an amino acid with highly dissimilar properties. This amino acid position is highly conserved in available vertebrate species. In addition, this alteration is predicted to be deleterious by in silico analysis. Since supporting evidence is limited at this time, the clinical significance of this alteration remains unclear.